The following is an entry in ClinVar:

NM_000321.3(RB1):c.510del (p.Glu170fs)

Gene: RB1 (RB transcriptional corepressor 1; plus strand). Cytogenetic location: 13q14.2.
Variant type: Deletion.
Coding change: c.510del on transcript NM_000321.3 (MANE Select); coding-DNA position 510, one base deleted (A; older notation c.510delA).
Protein change: p.Glu170fs; shifts the reading frame from glutamic acid 170.
Molecular consequence: frameshift variant.
Genome position (GRCh38, 1-based): chr13:48,347,834, A deleted; the last of 2 consecutive A bases (chr13:48,347,833-48,347,834); deleting either gives the same sequence. VCF-style (leftmost placement, unchanged base first): chr13-48347832-GA-G. GRCh37 (hg19) VCF-style: chr13-48921968-GA-G.
Other names: c.510delA (NM_000321.2); short protein forms E170fs.
Identifiers: ClinVar variation 527905 (VCV000527905.6), dbSNP rs1555283482, ClinGen allele CA658798140.

ClinVar aggregate classification (germline): Pathogenic (1 of 4 stars; one submission).

Conditions:
Retinoblastoma (RB1). Also called: RETINOBLASTOMA, SOMATIC. Identifiers: Orphanet 790, MedGen C0035335, MeSH D012175, MONDO:0008380, OMIM 180200, HP:0009919. Disease mechanism: loss of function. Inheritance: Both sporadic and heritable forms are tested..

Submission:

Labcorp Genetics (formerly Invitae), Labcorp
Classification: Pathogenic for Retinoblastoma. Last evaluated: 2017-10-02. Review status: criteria provided, single submitter. Criteria: Invitae Variant Classification Sherloc (09022015). Collection method: clinical testing. Allele origin: germline.
Comment: For these reasons, this variant has been classified as Pathogenic. Loss-of-function variants in RB1 are known to be pathogenic (PMID: 17096365). This variant has not been reported in the literature in individuals with RB1-related disease. This variant is not present in population databases (ExAC no frequency). This sequence change creates a premature translational stop signal (p.Glu170Aspfs*5) in the RB1 gene. It is expected to result in an absent or disrupted protein product.

Literature cited by the submitters: PubMed 17096365.